The following is an entry in ClinVar:

ClinVar aggregate classification (germline): Uncertain significance. Review status: criteria provided, multiple submitters, no conflicts (2 of 4 stars). 8 submissions from 8 submitters: Uncertain significance (6). 2 of the submissions do not count toward it. Last evaluated 2025-04-13.

Conditions:
Left ventricular noncompaction 8 (LVNC8). Identifiers: Orphanet 154, Orphanet 54260, MedGen C3809288, MONDO:0014152, OMIM 615373.

Allele frequency attached by ClinVar (database versions not stated): gnomAD 0.00001; TOPMed 0.00001; ExAC 0.00003; ESP Exome Variant Server 0.00008.
gnomAD v4.1: 66 of 1,611,724 alleles (0.0041%); highest among the groups gnomAD compares: Non-Finnish European, 0.0056%; no homozygotes.

Submissions (8):

Labcorp Genetics (formerly Invitae), Labcorp
Classification: Uncertain significance for Left ventricular noncompaction 8. Last evaluated: 2025-04-13. Review status: criteria provided, single submitter. Criteria: Invitae Variant Classification Sherloc (09022015). Collection method: clinical testing. Allele origin: germline.
Comment: This sequence change replaces arginine, which is basic and polar, with tryptophan, which is neutral and slightly polar, at codon 525 of the PRDM16 protein (p.Arg525Trp). This variant is present in population databases (rs369644938, gnomAD 0.005%). This missense change has been observed in individual(s) with dilated cardiomyopathy (PMID: 32746448). ClinVar contains an entry for this variant (Variation ID: 860188). An algorithm developed to predict the effect of missense changes on protein structure and function (PolyPhen-2) suggests that this variant is likely to be disruptive. In summary, the available evidence is currently insufficient to determine the role of this variant in disease. Therefore, it has been classified as a Variant of Uncertain Significance.

CeGaT Center for Human Genetics Tuebingen
Classification: Uncertain significance. Last evaluated: 2025-04-01. Review status: criteria provided, single submitter. Criteria: CeGaT Center For Human Genetics Tuebingen Variant Classification Criteria Version 2. Collection method: clinical testing. Allele origin: germline. Affected: yes. Observed: 1 variant allele.

Mayo Clinic Laboratories, Mayo Clinic
Classification: Uncertain significance. Last evaluated: 2025-02-28. Review status: criteria provided, single submitter. Criteria: ACMG Guidelines, 2015. Collection method: clinical testing. Allele origin: germline. Observed: 1 variant allele.
Comment: BP4

Blueprint Genetics
Classification: Uncertain significance. Last evaluated: 2024-11-06. Review status: criteria provided, single submitter. Criteria: ACMG Guidelines, 2015. Collection method: clinical testing. Allele origin: germline.

GeneDx
Classification: Uncertain significance. Last evaluated: 2024-04-26. Review status: criteria provided, single submitter. Criteria: GeneDx Variant Classification Process June 2021. Collection method: clinical testing. Allele origin: germline. Affected: yes.
Comment: Has not been previously published as pathogenic or benign to our knowledge; Not observed at significant frequency in large population cohorts (gnomAD); In silico analysis supports that this missense variant has a deleterious effect on protein structure/function

Victorian Clinical Genetics Services, Murdoch Childrens Research Institute
Classification: Uncertain significance for Left ventricular noncompaction 8. Last evaluated: 2021-05-06. Review status: criteria provided, single submitter. Criteria: ACMG Guidelines, 2015. Collection method: clinical testing. Allele origin: germline. Inheritance: Autosomal dominant inheritance.
Comment: Based on the classification scheme VCGS_Germline_v1.3.4, this variant is classified as VUS-3B. Following criteria are met: 0102 - Loss of function is a known mechanism of disease in this gene and is associated with dilated cardiomyopathy, 1LL (MM#615373) and left ventricular noncompaction 8 (MIM#615373). (I) 0107 - This gene is associated with autosomal dominant disease. (I) 0200 - Variant is predicted to result in a missense amino acid change from arginine to tryptophan. (I) 0251 - This variant is heterozygous. (I) 0309 - An alternative amino acid change at the same position has been observed in gnomAD (v2) (p.(Arg525Gln): 34 heterozygotes, 0 homozygotes). (I) 0302 - Variant is present in gnomAD (v2) <0.001 for a dominant condition (5 heterozygotes, 0 homozygotes). (SP) 0501 - Missense variant consistently predicted to be damaging by multiple in silico tools or highly conserved with a major amino acid change. (SP) 0600 - Variant is located in the annotated proline-rich region (UniProt). (I) 0710 - Another missense variant comparable to the one identified in this case has inconclusive previous evidence for pathogenicity. The p.(Arg525Gln) variant has been classified as a VUS (ClinVar). (I) 0809 - Previous evidence of pathogenicity for this variant is inconclusive. This variant has been classified as a VUS (Clinvar; PMID:30847666). (I) 0905 - No published segregation evidence has been identified for this variant. (I) 1007 - No published functional evidence has been identified for this variant. (I) 1208 - Inheritance information for this variant is not currently available in this individual. (I) Legend: (SP) - Supporting pathogenic, (I) - Information, (SB) - Supporting benign

Clinical Genetics, Academic Medical Center
Classification: Uncertain significance. Review status: no assertion criteria provided. Collection method: clinical testing. Allele origin: germline. Affected: yes. Study: VKGL Data-share Consensus. Not counted in ClinVar's aggregate classification.

Diagnostic Laboratory, Department of Genetics, University Medical Center Groningen
Classification: Uncertain significance. Review status: no assertion criteria provided. Collection method: clinical testing. Allele origin: germline. Affected: yes. Study: VKGL Data-share Consensus. Not counted in ClinVar's aggregate classification.

Literature cited by the submitters: PubMed 32746448 (cited by Labcorp Genetics (formerly Invitae), Labcorp and Mayo Clinic Laboratories, Mayo Clinic); PubMed 30847666 (cited by Mayo Clinic Laboratories, Mayo Clinic and Victorian Clinical Genetics Services, Murdoch Childrens Research Institute).

NM_022114.4(PRDM16):c.1573C>T (p.Arg525Trp)

Gene: PRDM16 (PR/SET domain 16; plus strand). Cytogenetic location: 1p36.32.
Variant type: single nucleotide variant.
Coding change: c.1573C>T on transcript NM_022114.4 (MANE Select); coding-DNA position 1573, C replaced by T.
Protein change: p.Arg525Trp; replaces arginine 525 with tryptophan.
Molecular consequence: missense variant.
Genome position (GRCh38, 1-based): chr1:3,411,770, C>T. VCF-style: chr1-3411770-C-T. GRCh37 (hg19) VCF-style: chr1-3328334-C-T.
Other names: p.Arg525Trp; c.1573C>T, p.Arg525Trp (NM_199454.3); short protein forms R525W.
Identifiers: ClinVar variation 860188 (VCV000860188.24), dbSNP rs369644938, ClinGen allele CA544227.